The following is an entry in ClinVar:

NM_006231.4(POLE):c.52_56del (p.Glu18fs)

Genes: POLE (DNA polymerase epsilon, catalytic subunit; minus strand), LOC130009266 (ATAC-STARR-seq lymphoblastoid silent region 5123; plus strand). Cytogenetic location: 12q24.33.
Variant type: Deletion.
Coding change: c.52_56del on transcript NM_006231.4 (MANE Select); coding-DNA positions 52 to 56, 5 bases deleted (GAGGC; older notation c.52_56delGAGGC).
Protein change: p.Glu18fs; shifts the reading frame from glutamic acid 18.
Molecular consequence: frameshift variant.
Genome position (GRCh38, 1-based): chr12:132,687,260-132,687,264, GCCTC deleted on the plus strand (GAGGC on the coding strand, the reverse complement: POLE is on the minus strand); deleting any 5 consecutive bases within chr12:132,687,260-132,687,267 gives the same sequence; the c. name uses the placement nearest the transcript's 3' end. VCF-style (leftmost placement, unchanged base first): chr12-132687259-GGCCTC-G. GRCh37 (hg19) VCF-style: chr12-133263845-GGCCTC-G.
Other names: short protein forms E18fs.
Identifiers: ClinVar variation 2035367 (VCV002035367.4), dbSNP rs2542221687, ClinGen allele CA2580086156.

ClinVar aggregate classification (germline): Pathogenic (1 of 4 stars; one submission).

Submission:

Labcorp Genetics (formerly Invitae), Labcorp
Classification: Pathogenic. Last evaluated: 2022-10-13. Review status: criteria provided, single submitter. Criteria: Invitae Variant Classification Sherloc (09022015). Collection method: clinical testing. Allele origin: germline.
Comment: This sequence change creates a premature translational stop signal (p.Glu18Glnfs*4) in the POLE gene. It is expected to result in an absent or disrupted protein product. Loss-of-function variants in POLE are known to be pathogenic (PMID: 23230001, 25948378, 30503519). For these reasons, this variant has been classified as Pathogenic. This variant has not been reported in the literature in individuals affected with POLE-related conditions. This variant is not present in population databases (gnomAD no frequency).

Literature cited by the submitters: PubMed 23230001; PubMed 25948378; PubMed 30503519.